The following is an entry in ClinVar:

NM_001164508.2(NEB):c.10809G>C (p.Trp3603Cys)

Gene: NEB (nebulin; minus strand). Cytogenetic location: 2q23.3.
Variant type: single nucleotide variant.
Coding change: c.10809G>C on transcript NM_001164508.2 (MANE Select); coding-DNA position 10809, G replaced by C.
Protein change: p.Trp3603Cys; replaces tryptophan 3603 with cysteine.
Molecular consequence: missense variant.
Genome position (GRCh38, 1-based): chr2:151,619,514, C>G on the plus strand (G>C on the coding strand, the complement: NEB is on the minus strand). VCF-style: chr2-151619514-C-G. GRCh37 (hg19) VCF-style: chr2-152476028-C-G.
Other names: c.10809G>C, p.Trp3603Cys (NM_001164507.2, NM_001271208.2); c.10080G>C, p.Trp3360Cys (NM_004543.5); short protein forms W3360C, W3603C.
Identifiers: ClinVar variation 95102 (VCV000095102.39), dbSNP rs10172023, ClinGen allele CA148178.
Genomic context (GRCh38, chr2:151,619,514, plus strand): 5'-ACTCTGGAGGTCATAGGCTTTCCGTGCATGAATGATGTCATTCTGGTCGGGCAGGCAGAT[C>G]CATTCATGCAGAGGATGTTTATAGTCCACATCGCTGACCAAGGTCTGACACTTCTTGGCC-3'
Protein context (NP_001157980.2, residues 3593-3613): DVDYKHPLHE[Trp3603Cys]ICLPDQNDII

ClinVar aggregate classification (germline): Benign. Review status: criteria provided, multiple submitters, no conflicts (2 of 4 stars). 17 submissions from 16 submitters: Benign (13). 4 of the submissions do not count toward it. Last evaluated 2026-02-04.

Conditions:
Arthrogryposis multiplex congenita 6. Identifiers: MedGen C5543431, MONDO:0030281, OMIM 619334.
Nemaline myopathy 2 (NEM2). Also called: Nemaline myopathy 2, autosomal recessive. Identifiers: MedGen C1850569, MONDO:0009725, OMIM 256030.

Allele frequency attached by ClinVar (database versions not stated): 1000 Genomes Project 30x 0.21768; 1000 Genomes Project 0.21985; TOPMed 0.25279; gnomAD 0.26237 and 0.26304; ESP Exome Variant Server 0.26874; ExAC 0.28911; gnomAD exomes 0.29224 and 0.31623.
gnomAD v4.1: 500,716 of 1,613,274 alleles (31%); highest among the groups gnomAD compares: Non-Finnish European, 33%; 80,452 homozygotes.

Submissions (17):

Labcorp Genetics (formerly Invitae), Labcorp
Classification: Benign for Nemaline myopathy 2. Last evaluated: 2026-02-04. Review status: criteria provided, single submitter. Criteria: Invitae Variant Classification Sherloc (09022015). Collection method: clinical testing. Allele origin: germline.

Blueprint Genetics
Classification: Benign. Last evaluated: 2024-11-26. Review status: criteria provided, single submitter. Criteria: ACMG Guidelines, 2015. Collection method: clinical testing. Allele origin: germline.

Genome-Nilou Lab
Classification: Benign for Arthrogryposis multiplex congenita 6. Last evaluated: 2021-07-10. Review status: criteria provided, single submitter. Criteria: ACMG Guidelines, 2015. Collection method: clinical testing. Allele origin: germline. Affected: no.

Genome-Nilou Lab
Classification: Benign for Nemaline myopathy 2. Last evaluated: 2021-07-10. Review status: criteria provided, single submitter. Criteria: ACMG Guidelines, 2015. Collection method: clinical testing. Allele origin: germline. Affected: no.

Mendelics
Classification: Benign for Nemaline myopathy 2. Last evaluated: 2019-05-28. Review status: criteria provided, single submitter. Criteria: Mendelics Assertion Criteria 2017. Collection method: clinical testing. Allele origin: unknown.

Illumina Laboratory Services, Illumina
Classification: Benign for Nemaline myopathy 2. Last evaluated: 2018-01-13. Review status: criteria provided, single submitter. Criteria: ICSL Variant Classification Criteria 13 December 2019. Collection method: clinical testing. Allele origin: germline.
Comment: This variant was observed in the ICSL laboratory as part of a predisposition screen in an ostensibly healthy population. It had not been previously curated by ICSL or reported in the Human Gene Mutation Database (HGMD: prior to June 1st, 2018), and was therefore a candidate for classification through an automated scoring system. Utilizing variant allele frequency, disease prevalence and penetrance estimates, and inheritance mode, an automated score was calculated to assess if this variant is too frequent to cause the disease. Based on the score and internal cut-off values, a variant classified as benign is not then subjected to further curation. The score for this variant resulted in a classification of benign for this disease.

Mayo Clinic Laboratories, Mayo Clinic
Classification: Benign. Last evaluated: 2017-07-25. Review status: criteria provided, single submitter. Criteria: ACMG Guidelines, 2015. Collection method: clinical testing. Allele origin: germline. Observed: 322 variant alleles.

Women's Health and Genetics/Laboratory Corporation of America, LabCorp
Classification: Benign. Last evaluated: 2017-04-24. Review status: criteria provided, single submitter. Criteria: LabCorp Variant Classification Summary - May 2015. Collection method: clinical testing. Allele origin: germline.
Comment: Variant summary: The NEB c.10809G>C (p.Trp3603Cys) variant involves the alteration of a non-conserved nucleotide and 3/3 in silico tools (SNPsandGo and Mutation Taster not captured here due to low reliability index and p-value, respectively) predict a damaging outcome. This variant was found in 34849/120540 control chromosomes (5272 homozygotes) at a frequency of 0.2891074, which is approximately 82 times the estimated maximal expected allele frequency of a pathogenic NEB variant (0.0035355), suggesting this variant is likely a benign polymorphism. In addition, multiple clinical diagnostic laboratories/reputable databases classified this variant as likely benign/benign. Therefore, the variant of interest has been classified as Benign.

GeneDx
Classification: Benign. Last evaluated: 2016-01-05. Review status: criteria provided, single submitter. Criteria: GeneDx Variant Classification (06012015). Collection method: clinical testing. Allele origin: germline. Affected: yes.
Comment: This variant is considered likely benign or benign based on one or more of the following criteria: it is a conservative change, it occurs at a poorly conserved position in the protein, it is predicted to be benign by multiple in silico algorithms, and/or has population frequency not consistent with disease.

Laboratory for Molecular Medicine, Mass General Brigham Personalized Medicine
Classification: Benign. Last evaluated: 2014-11-26. Review status: criteria provided, single submitter. Criteria: LMM Criteria. Collection method: clinical testing. Allele origin: germline. Observed: 7 variant alleles.
Comment: p.Trp3603Cys in exon 73 of NEB: This variant is not expected to have clinical si gnificance because it has been identified in 33% (2784/8400) of European America n chromosomes by the NHLBI Exome Sequencing Project (u/EVS/; dbSNP rs10172023).

Eurofins Ntd Llc (ga)
Classification: Benign. Last evaluated: 2014-05-07. Review status: criteria provided, single submitter. Criteria: EGL Classification Definitions 2015. Collection method: clinical testing. Allele origin: germline. Observed: 3 variant alleles, 2 heterozygotes, 1 homozygote.

Breakthrough Genomics
Classification: Benign. Review status: criteria provided, single submitter. Criteria: ACMG Guidelines, 2015. Collection method: not provided. Allele origin: germline. Inheritance: Autosomal recessive inheritance. Affected: yes.

PreventionGenetics, part of Exact Sciences
Classification: Benign. Review status: criteria provided, single submitter. Criteria: ACMG Guidelines, 2015. Collection method: clinical testing. Allele origin: germline.

Natera, Inc.
Classification: Benign for Nemaline myopathy type 2. Last evaluated: 2020-09-16. Review status: no assertion criteria provided. Collection method: clinical testing. Allele origin: germline. Not counted in ClinVar's aggregate classification.

Diagnostic Laboratory, Department of Genetics, University Medical Center Groningen
Classification: Benign. Review status: no assertion criteria provided. Collection method: clinical testing. Allele origin: germline. Affected: yes. Study: VKGL Data-share Consensus. Not counted in ClinVar's aggregate classification.

Genetic Services Laboratory, University of Chicago
Classification: Likely benign for AllHighlyPenetrant. Review status: no assertion criteria provided. Collection method: clinical testing. Allele origin: germline. Inheritance: Autosomal recessive inheritance. Not counted in ClinVar's aggregate classification.
Comment: Likely benign based on allele frequency in 1000 Genomes Project or ESP global frequency and its presence in a patient with a rare or unrelated disease phenotype. NOT Sanger confirmed.

Joint Genome Diagnostic Labs from Nijmegen and Maastricht, Radboudumc and MUMC+
Classification: Benign. Review status: no assertion criteria provided. Collection method: clinical testing. Allele origin: germline. Affected: yes. Study: VKGL Data-share Consensus. Not counted in ClinVar's aggregate classification.